The following is an entry in ClinVar:

NM_002693.3(POLG):c.3218C>T (p.Pro1073Leu)

Gene: POLG (DNA polymerase gamma, catalytic subunit; minus strand). Cytogenetic location: 15q26.1.
Variant type: single nucleotide variant.
Coding change: c.3218C>T on transcript NM_002693.3 (MANE Select); coding-DNA position 3218, C replaced by T.
Protein change: p.Pro1073Leu; replaces proline 1073 with leucine.
Molecular consequence: missense variant.
Genome position (GRCh38, 1-based): chr15:89,318,986, G>A on the plus strand (C>T on the coding strand, the complement: POLG is on the minus strand). VCF-style: chr15-89318986-G-A. GRCh37 (hg19) VCF-style: chr15-89862217-G-A.
Other names: p.P1073L:CCG>CTG; c.3218C>T, p.Pro1073Leu (NM_001126131.2); short protein forms P1073L.
Identifiers: ClinVar variation 13516 (VCV000013516.24), dbSNP rs267606959, ClinGen allele CA123156.

ClinVar aggregate classification (germline): Pathogenic. Review status: criteria provided, multiple submitters, no conflicts (2 of 4 stars). 10 submissions from 9 submitters: Pathogenic (8). 2 of the submissions do not count toward it. Last evaluated 2026-06-24.

Conditions:
POLG-related disorder. Also called: POLG-Related Spectrum Disorders; POLG-related condition; POLG-Related Disorders. Identifiers: MedGen C4763519.
Mitochondrial DNA depletion syndrome. Also called: mitochondrial DNA depletion. Identifiers: Orphanet 35698, MedGen C0342782, MONDO:0018158.
Mitochondrial DNA depletion syndrome 4b. Also called: MNGIE, POLG-RELATED; Mitochondrial Neurogastrointestinal Encephalopathy Disease, POLG-Related. Identifiers: Orphanet 298, MedGen C3150914, MONDO:0013350, OMIM 613662.
Progressive sclerosing poliodystrophy (MTDPS4A). Also called: ALPERS PROGRESSIVE INFANTILE POLIODYSTROPHY; ALPERS DIFFUSE DEGENERATION OF CEREBRAL GRAY MATTER WITH HEPATIC CIRRHOSIS; Alpers-Huttenlocher Syndrome; Mitochondrial DNA Depletion Syndrome 4A; Alpers-Huttenlocher Syndrome (AHS); NEURONAL DEGENERATION OF CHILDHOOD WITH LIVER DISEASE, PROGRESSIVE. Identifiers: Orphanet 726, MedGen C0205710, MONDO:0008758, OMIM 203700.

Allele frequency attached by ClinVar (database versions not stated): gnomAD exomes 0.00001 and 0.00002; TOPMed 0.00001; ExAC 0.00002.

Submissions (10):

PreventionGenetics, part of Exact Sciences
Classification: Pathogenic for POLG-related condition. Last evaluated: 2026-06-24. Review status: criteria provided, single submitter. Criteria: ACMG Guidelines, 2015. Collection method: clinical testing. Allele origin: germline.
Comment: The POLG c.3218C>T variant is predicted to result in the amino acid substitution p.Pro1073Leu. This variant has been reported in the compound heterozygous state in multiple individuals with mitochondrial DNA depletion syndrome (Kurt et al. 2010. PubMed ID: 20142534; Baruffini et al. 2010. PubMed ID: 20883824; Qian et al. 2015. PubMed ID: 25914719; Table S1, Wu et al. 2022. PubMed ID: 35598585). In vitro experimental studies using a replisome assays and yeast models suggest this variant causes a reduction in net polymerization rate and severe mtDNA depletion (Baruffini et al. 2010. PubMed ID: 20883824; Qian et al. 2015. PubMed ID: 25914719). This variant is reported in 0.016% of alleles in individuals of East Asian descent in gnomAD. This variant is interpreted as pathogenic.

Women's Health and Genetics/Laboratory Corporation of America, LabCorp
Classification: Pathogenic for Mitochondrial DNA depletion syndrome. Last evaluated: 2025-11-04. Review status: criteria provided, single submitter. Criteria: LabCorp Variant Classification Summary - May 2015. Collection method: clinical testing. Allele origin: germline.
Comment: Variant summary: POLG c.3218C>T (p.Pro1073Leu) results in a non-conservative amino acid change in the encoded protein sequence. Algorithms developed to predict the effect of missense changes on protein structure and function all suggest that this variant is likely to be disruptive. The variant allele was found at a frequency of 2e-05 in 250846 control chromosomes. c.3218C>T has been observed in multiple individuals affected with POLG Related Mitochondrial DNA Depletion Syndrome (e.g. Kurt_2010, Baruffini_2011, Wu_2022). These data indicate that the variant is very likely to be associated with disease. At least one publication reports experimental evidence evaluating an impact on protein function, showing that the variant induced the loss of mtDNA in a yeast cell assay (Baruffini_2011). The following publications have been ascertained in the context of this evaluation (PMID: 20883824, 20142534, 35598585). ClinVar contains an entry for this variant (Variation ID: 13516).To our knowledge, this variant has not been reported in individuals with autosomal dominant Progressive External Ophthalmoplegia With Mitochondrial DNA Deletions. Based on the evidence outlined above, the variant was classified as pathogenic for POLG Related Mitochondrial DNA Depletion Syndrome.

Labcorp Genetics (formerly Invitae), Labcorp
Classification: Pathogenic for Progressive sclerosing poliodystrophy. Last evaluated: 2025-10-21. Review status: criteria provided, single submitter. Criteria: Invitae Variant Classification Sherloc (09022015). Collection method: clinical testing. Allele origin: germline.
Comment: This sequence change replaces proline, which is neutral and non-polar, with leucine, which is neutral and non-polar, at codon 1073 of the POLG protein (p.Pro1073Leu). This variant is present in population databases (rs267606959, gnomAD 0.02%). This missense change has been observed in individual(s) with autosomal recessive Alpers syndrome (PMID: 20142534, 20883824, 21880868, 25914719). In at least one individual the data is consistent with being in trans (on the opposite chromosome) from a pathogenic variant. It has also been observed to segregate with disease in related individuals. ClinVar contains an entry for this variant (Variation ID: 13516). Invitae Evidence Modeling of protein sequence and biophysical properties (such as structural, functional, and spatial information, amino acid conservation, physicochemical variation, residue mobility, and thermodynamic stability) indicates that this missense variant is expected to disrupt POLG protein function with a positive predictive value of 95%. Experimental studies have shown that this missense change affects POLG function (PMID: 20883824, 25914719). For these reasons, this variant has been classified as Pathogenic.

GeneDx
Classification: Pathogenic. Last evaluated: 2025-08-21. Review status: criteria provided, single submitter. Criteria: GeneDx Variant Classification Process June 2021. Collection method: clinical testing. Allele origin: germline. Affected: yes.
Comment: Published functional studies demonstrate a damaging effect and show that this variant affects mtDNA replication and strongly increases point mutability (PMID: 25914719, 20883824); In silico analysis supports that this missense variant has a deleterious effect on protein structure/function; This variant is associated with the following publications: (PMID: 33486010, 31271879, 20883824, 23921535, 20142534, 21880868, 34714238, 31440721, 35598585, 37250406, 25914719)

Baylor Genetics
Classification: Pathogenic for Progressive sclerosing poliodystrophy. Last evaluated: 2024-03-07. Review status: criteria provided, single submitter. Criteria: ACMG Guidelines, 2015. Collection method: clinical testing. Allele origin: unknown.

MGZ Medical Genetics Center
Classification: Pathogenic for Progressive sclerosing poliodystrophy. Last evaluated: 2021-11-16. Review status: criteria provided, single submitter. Criteria: ACMG Guidelines, 2015. Collection method: clinical testing. Allele origin: germline. Affected: yes. Observed: 1 variant allele.
Comment: ACMG criteria applied: PM3_STR, PS3_MOD, PS4_MOD, PM2_SUP, PP3, PP4

Wong Mito Lab, Molecular and Human Genetics, Baylor College of Medicine
Classification: Pathogenic for Progressive sclerosing poliodystrophy. Last evaluated: 2018-10-01. Review status: criteria provided, single submitter. Criteria: ACMG Guidelines, 2015. Collection method: clinical testing. Allele origin: germline.
Comment: The NM_002693.2:c.3218C>T (NP_002684.1:p.Pro1073Leu) [GRCH38: NC_000015.10:g.89318986G>A] variant in POLG gene is interpretated to be a Pathogenic based on ACMG guidelines (PMID: 25741868). This variant meets the following evidence codes reported in the ACMG-guideline. PS3:Well established functional studies show a deleterious effect on POLG. PM2:This variant is absent in key population databases. PM3:Detected in trans with a pathogenic variant for Mitochondrial DNA depletion syndrome 4A (Alpers type) which is a recessive disorder. PP1:This variant is co-segregated with Mitochondrial DNA depletion syndrome 4A (Alpers type) in multiple affected family members. PP2:This is a missense variant in POLG with a low rate of benign and high rate of pathogenic missense variations. PP3:Computational evidence/predictors indicate the variant has deleterious effect on POLG structure, function, or protein-protein interaction. PP4:Patient's phenotype or family history is highly specific for POLG. Based on the evidence criteria codes applied, the variant is suggested to be Pathogenic.

Undiagnosed Diseases Network, NIH
Classification: Pathogenic for Progressive sclerosing poliodystrophy. Last evaluated: 2018-01-03. Review status: criteria provided, single submitter. Criteria: ACMG Guidelines, 2015. Collection method: clinical testing. Allele origin: unknown. Inheritance: Autosomal recessive inheritance. Affected: yes. Observed: 1 variant allele, 1 compound heterozygote. Study: Undiagnosed Diseases Network (NIH), UDN.
Comment: This variant has been reported in mulitple individuals with this Alpers phenotype (MIM 203700) in the literature. There is also one paper with data from yeast model (PMID:20883824).

OMIM
Classification: Pathogenic for MITOCHONDRIAL DNA DEPLETION SYNDROME 4A (ALPERS TYPE). Last evaluated: 2010-02-01. Review status: no assertion criteria provided. Collection method: literature only. Allele origin: germline. Not counted in ClinVar's aggregate classification.

OMIM
Classification: Pathogenic for MITOCHONDRIAL DNA DEPLETION SYNDROME 4B (MNGIE TYPE). Last evaluated: 2010-02-01. Review status: no assertion criteria provided. Collection method: literature only. Allele origin: germline. Not counted in ClinVar's aggregate classification.

Literature cited by the submitters: PubMed 20883824 (cited by 3 submitters); PubMed 35598585 (cited by Women's Health and Genetics/Laboratory Corporation of America, LabCorp); PubMed 20142534 (cited by 4 submitters); PubMed 21880868 (cited by Labcorp Genetics (formerly Invitae), Labcorp); PubMed 25914719 (cited by Labcorp Genetics (formerly Invitae), Labcorp).